The following is an entry in ClinVar:

ClinVar aggregate classification (germline): Uncertain significance. Review status: criteria provided, multiple submitters, no conflicts (2 of 4 stars). 2 submissions from 2 submitters: Uncertain significance (2). Last evaluated 2022-02-28.

Conditions:
Inborn genetic diseases. Identifiers: MedGen C0950123, MeSH D030342.

Allele frequency attached by ClinVar (database versions not stated): gnomAD exomes 0.00004; TOPMed 0.00011; gnomAD 0.00015.
gnomAD v4.1: 83 of 1,614,032 alleles (0.0051%); highest among the groups gnomAD compares: African/African-American, 0.02%; no homozygotes.

Submissions (2):

Labcorp Genetics (formerly Invitae), Labcorp
Classification: Uncertain significance. Last evaluated: 2022-02-28. Review status: criteria provided, single submitter. Criteria: Invitae Variant Classification Sherloc (09022015). Collection method: clinical testing. Allele origin: germline.
Comment: This sequence change replaces glycine, which is neutral and non-polar, with arginine, which is basic and polar, at codon 1299 of the LTBP2 protein (p.Gly1299Arg). This variant is present in population databases (no rsID available, gnomAD 0.008%). This variant has not been reported in the literature in individuals affected with LTBP2-related conditions. Algorithms developed to predict the effect of missense changes on protein structure and function output the following: SIFT: "Deleterious"; PolyPhen-2: "Benign"; Align-GVGD: "Class C65". The arginine amino acid residue is found in multiple mammalian species, which suggests that this missense change does not adversely affect protein function. In summary, the available evidence is currently insufficient to determine the role of this variant in disease. Therefore, it has been classified as a Variant of Uncertain Significance.

Ambry Genetics
Classification: Uncertain significance for Inborn genetic diseases. Last evaluated: 2021-10-12. Review status: criteria provided, single submitter. Criteria: Ambry Variant Classification Scheme 2023. Collection method: clinical testing. Allele origin: germline.

NM_000428.3(LTBP2):c.3895G>A (p.Gly1299Arg)

Gene: LTBP2 (latent transforming growth factor beta binding protein 2; minus strand). Cytogenetic location: 14q24.3.
Variant type: single nucleotide variant.
Coding change: c.3895G>A on transcript NM_000428.3 (MANE Select); coding-DNA position 3895, G replaced by A.
Protein change: p.Gly1299Arg; replaces glycine 1299 with arginine.
Molecular consequence: missense variant.
Genome position (GRCh38, 1-based): chr14:74,507,191, C>T on the plus strand (G>A on the coding strand, the complement: LTBP2 is on the minus strand). VCF-style: chr14-74507191-C-T. GRCh37 (hg19) VCF-style: chr14-74973894-C-T.
Other names: short protein forms G1299R.
Identifiers: ClinVar variation 2076170 (VCV002076170.2), dbSNP rs914287813, ClinGen allele CA263583336.
Genomic context (GRCh38, chr14:74,507,191, plus strand): 5'-ATAGGTTTTCTCAGCCCTCTCTCCTCTCTCTCCTCCCTCCCTACTCACCAATGCAGTCTC[C>T]GTTCGGGGCCATGTGGAAGCCAGGCTGGCAGCCCAGAACACAGCGGTAGGAGCCAGGGCT-3'
Protein context (NP_000419.1, residues 1289-1309): CQPGFHMAPN[Gly1299Arg]DCIDIDECAN